The following continues an entry in ClinVar:

NM_000370.3(TTPA):c.513_514insTT (p.Thr172fs)

Gene: TTPA. ClinVar aggregate classification (germline): Pathogenic. Pathogenic (15).

Submissions 15 to 18 of 18:

Laboratory for Molecular Medicine, Mass General Brigham Personalized Medicine
Classification: Pathogenic for Ataxia with vitamin E deficiency. Last evaluated: 2018-12-17. Review status: criteria provided, single submitter. Criteria: LMM Criteria. Collection method: clinical testing. Allele origin: germline. Inheritance: Autosomal recessive inheritance. Observed: 1 variant allele.
Comment: The p.Thr172LeufsX5 variant in TTPA has been reported in at least 3 homozygous a nd 3 compound heterozygous individuals with ataxia and vitamin E deficiency (Oua hchi 1995, Hentati 1996, Cavalier 1998, Rossato 2014, Elkamil 2015). It has also been identified in 0.03% (38/129082) of European chromosomes by gnomAD. However, this frequency is low enough to be consiste nt with a recessive carrier frequency. This variant has also been reported in Cl inVar (Variation ID #9139). This variant is predicted to cause a frameshift, whi ch alters the protein?s amino acid sequence beginning at position 172 and leads to a premature termination codon 5 amino acids downstream. This alteration is th en predicted to lead to a truncated or absent protein. Biallelic loss of functio n of the TTPA gene is an established disease mechanism in autosomal recessive at axia with vitamin E deficiency. In summary, this variant meets criteria to be cl assified as pathogenic for autosomal recessive ataxia with vitamin E deficiency. ACMG/AMP Criteria applied: PVS1, PM3_Strong, PM2_Supporting.

OMIM
Classification: Pathogenic for ATAXIA, FRIEDREICH-LIKE, WITH ISOLATED VITAMIN E DEFICIENCY. Last evaluated: 1996-03-01. Review status: no assertion criteria provided. Collection method: literature only. Allele origin: germline. Not counted in ClinVar's aggregate classification.

Department of Pathology and Laboratory Medicine, Sinai Health System
Classification: Pathogenic. Review status: no assertion criteria provided. Collection method: clinical testing. Allele origin: unknown. Affected: yes. Study: The Canadian Open Genetics Repository (COGR). Not counted in ClinVar's aggregate classification.
Comment: The TTPA p.T172Lfs*5 variant was identified in >15 patients with ataxia with vitamin E deficiency as a homozygous or compound heterozygous variant (Mariotti_2004_PMID:15300460; Elkamil_2005_PMID:25614784; Angelini_2002_PMID:12112220; Schuekle_2000_PMID:11013295; Cavalier_1998_PMID:9463307; Rossato_2014_PMID:23445347; Martinello_1998_PMID:9588854; Hentati_1996_PMID:8602747). The variant was identified in dbSNP (ID: rs397515379) and ClinVar (classified as pathogenic by Athena Diagnostics, Laboratory for Molecular Medicine, Counsyl and Mendelics). The variant was identified in control databases in 41 of 282676 chromosomes at a frequency of 0.000145 (Genome Aggregation Database March 6, 2019, v2.1.1). The variant was observed in the following populations: European (non-Finnish) in 38 of 129082 chromosomes (freq: 0.000294), Other in 1 of 7218 chromosomes (freq: 0.000139), South Asian in 1 of 30600 chromosomes (freq: 0.000033) and Latino in 1 of 35388 chromosomes (freq: 0.000028), but was not observed in the African, Ashkenazi Jewish, East Asian, or European (Finnish) populations. The c.513_514insTT variant is predicted to cause a frameshift, which alters the protein's amino acid sequence beginning at codon 172 and leads to a premature stop codon 5 codons downstream. This alteration is then predicted to result in a truncated or absent protein and loss of function. Loss of function variants of the TTPA gene are an established mechanism of disease in ataxia with vitamin E deficiency and are the type of variants expected to cause the disorder when foudn in the homozygous or compound heterozygous state. The variant occurs outside of the splicing consensus sequence and 1 of 4 in silico or computational prediction software programs (SpliceSiteFinder, MaxEntScan, NNSPLICE, GeneSplicer) predict a greater than 10% difference in splicing; this is not very predictive of pathogenicity. In summary, based on the above information this variant meets our laboratoryâ€šÃ„Ã´s criteria to be classified as pathogenic.

GeneReviews
No classification provided. Condition: Familial isolated deficiency of vitamin E. Review status: no classification provided. Collection method: literature only. Allele origin: unknown. Not counted in ClinVar's aggregate classification.

Literature cited by the submitters: PubMed 9463307 (cited by 6 submitters); PubMed 26068213 (cited by Labcorp Genetics (formerly Invitae), Labcorp and Variantyx, Inc.); PubMed 9588854 (cited by Labcorp Genetics (formerly Invitae), Labcorp); PubMed 11013295 (cited by Labcorp Genetics (formerly Invitae), Labcorp); PubMed 12112220 (cited by Labcorp Genetics (formerly Invitae), Labcorp); PubMed 12470185 (cited by Labcorp Genetics (formerly Invitae), Labcorp); PubMed 15300460 (cited by 5 submitters); PubMed 23445347 (cited by 4 submitters); PubMed 7719340 (cited by 3 submitters); PubMed 8602747 (cited by 4 submitters); PubMed 25614784 (cited by 3 submitters); PubMed 22696689 (cited by Athena Diagnostics); PubMed 35758105 (cited by Athena Diagnostics); PubMed 32928973 (cited by Athena Diagnostics and Institute of Human Genetics, Univ. Regensburg, Univ. Regensburg); PubMed 31589614 (cited by Institute of Human Genetics, Univ. Regensburg, Univ. Regensburg); PubMed 31980526 (cited by Institute of Human Genetics, Univ. Regensburg, Univ. Regensburg); PubMed 20301419 (cited by GeneReviews); NCBI Bookshelf NBK1241 (cited by GeneReviews).